The following is an entry in ClinVar:

NM_000428.3(LTBP2):c.3611C>T (p.Ala1204Val)

Gene: LTBP2 (latent transforming growth factor beta binding protein 2; minus strand). Cytogenetic location: 14q24.3.
Variant type: single nucleotide variant.
Coding change: c.3611C>T on transcript NM_000428.3 (MANE Select); coding-DNA position 3611, C replaced by T.
Protein change: p.Ala1204Val; replaces alanine 1204 with valine.
Molecular consequence: missense variant.
Genome position (GRCh38, 1-based): chr14:74,508,645, G>A on the plus strand (C>T on the coding strand, the complement: LTBP2 is on the minus strand). VCF-style: chr14-74508645-G-A. GRCh37 (hg19) VCF-style: chr14-74975348-G-A.
Other names: short protein forms A1204V.
Identifiers: ClinVar variation 785818 (VCV000785818.16), dbSNP rs45468895, ClinGen allele CA7269106.

ClinVar aggregate classification (germline): Conflicting classifications of pathogenicity. Review status: criteria provided, conflicting classifications (1 of 4 stars). 6 submissions from 4 submitters: Uncertain significance (5); Benign (1). Last evaluated 2026-01-27.

Conditions:
Weill-Marchesani syndrome 3 (WMS3). Also called: LTBP2-Related Weill-Marchesani Syndrome; Weill-Marchesani syndrome 3, recessive. Identifiers: Orphanet 3449, MedGen C3553785, MONDO:0013899, OMIM 614819.
Glaucoma 3, primary congenital, D. Identifiers: Orphanet 98976, MedGen C2751316, MONDO:0013122, OMIM 613086.
Microspherophakia and/or megalocornea, with ectopia lentis and with or without secondary glaucoma (MSPKA). Identifiers: Orphanet 238763, MedGen C3538951, MONDO:0009633, OMIM 251750.
Microspherophakia. Identifiers: MedGen C1562061, HP:0030961.
Weill-Marchesani syndrome. Also called: WM Syndrome; Mesodermal dysmorphodystrophy congenital. Identifiers: Orphanet 3449, MedGen C0265313, MONDO:0018096.

Allele frequency attached by ClinVar (database versions not stated): 1000 Genomes Project 0.00040; TOPMed 0.00054; gnomAD 0.00056 and 0.00057; 1000 Genomes Project 30x 0.00062; gnomAD exomes 0.00064 and 0.00086; ExAC 0.00082; ESP Exome Variant Server 0.00085.
gnomAD v4.1: 1,051 of 1,612,528 alleles (0.065%); highest among the groups gnomAD compares: Non-Finnish European, 0.056%; 1 homozygote.

Submissions (6):

Labcorp Genetics (formerly Invitae), Labcorp
Classification: Benign. Last evaluated: 2026-01-27. Review status: criteria provided, single submitter. Criteria: Invitae Variant Classification Sherloc (09022015). Collection method: clinical testing. Allele origin: germline.

GeneDx
Classification: Uncertain significance. Last evaluated: 2024-05-18. Review status: criteria provided, single submitter. Criteria: GeneDx Variant Classification Process June 2021. Collection method: clinical testing. Allele origin: germline. Affected: yes.
Comment: Has been reported as heterozygous in a patient with primary congenital glaucoma; however this variant was inherited from an unaffected parent (PMID: 27293371); Has also been observed in a patient with arrhythmogenic cardiomyopathy who had a causative variant in the DSG2 gene (PMID: 33917638); In silico analysis indicates that this missense variant does not alter protein structure/function; This variant is associated with the following publications: (PMID: 33917638, 27293371)

Center for Genomics, Ann and Robert H. Lurie Children's Hospital of Chicago
Classification: Uncertain significance for Glaucoma 3, primary congenital, D; Microspherophakia and/or megalocornea, with ectopia lentis and with or without secondary glaucoma; Weill-Marchesani syndrome 3. Last evaluated: 2021-03-30. Review status: criteria provided, single submitter. Criteria: ACMG Guidelines, 2015. Collection method: clinical testing. Allele origin: germline.
Comment: LTBP2 NM_000428.2 exon 24 p.Ala1204Val (c.3611C>T): This variant has not been reported in the literature and is present in 0.8% (88/10332) of Ashkenazi Jewish alleles in the Genome Aggregation Database, including one homozygote. Evolutionary conservation and computational predictive tools suggest that this variant may impact the protein. In summary, data on this variant is insufficient for disease classification. Therefore, the clinical significance of this variant is uncertain.

Center for Genomics, Ann and Robert H. Lurie Children's Hospital of Chicago
Classification: Uncertain significance for Glaucoma 3, primary congenital, D; Microspherophakia and/or megalocornea, with ectopia lentis and with or without secondary glaucoma; Weill-Marchesani syndrome 3. Last evaluated: 2019-09-13. Review status: criteria provided, single submitter. Criteria: ACMG Guidelines, 2015. Collection method: clinical testing. Allele origin: germline.
Comment: the same text as in the submission from Center for Genomics, Ann and Robert H. Lurie Children's Hospital of Chicago above.

Illumina Laboratory Services, Illumina
Classification: Uncertain significance for Glaucoma 3, primary congenital, D. Last evaluated: 2018-01-13. Review status: criteria provided, single submitter. Criteria: ICSL Variant Classification Criteria 13 December 2019. Collection method: clinical testing. Allele origin: germline.

Illumina Laboratory Services, Illumina
Classification: Uncertain significance for Weill-Marchesani syndrome. Last evaluated: 2018-01-13. Review status: criteria provided, single submitter. Criteria: ICSL Variant Classification Criteria 13 December 2019. Collection method: clinical testing. Allele origin: germline.